The following is an entry in ClinVar:

NM_001368882.1(COL13A1):c.1879G>A (p.Gly627Arg)

Gene: COL13A1 (collagen type XIII alpha 1 chain; plus strand). Cytogenetic location: 10q22.1.
Variant type: single nucleotide variant.
Coding change: c.1879G>A on transcript NM_001368882.1 (MANE Select); coding-DNA position 1879, G replaced by A.
Protein change: p.Gly627Arg; replaces glycine 627 with arginine.
Molecular consequence: missense variant. On other transcripts: intron variant (10).
Genome position (GRCh38, 1-based): chr10:69,940,988, G>A. VCF-style: chr10-69940988-G-A. GRCh37 (hg19) VCF-style: chr10-71700744-G-A.
Other names: c.1846G>A (NM_001130103.1); c.1846G>A, p.Gly616Arg (NM_001130103.2); c.1756G>A, p.Gly586Arg (NM_001368883.1); c.1588G>A, p.Gly530Arg (NM_001368896.1); c.1630G>A, p.Gly544Arg (NM_080798.4); c.1780G>A, p.Gly594Arg (NM_080801.4); c.1771-3137G>A (NM_001320951.2); c.1729-3137G>A (NM_001368884.1); and 8 more; short protein forms G544R, G627R, G530R, G594R, G616R, G586R.
Identifiers: ClinVar variation 1371601 (VCV001371601.9), dbSNP rs2136077242, ClinGen allele CA376932745.

ClinVar aggregate classification (germline): Uncertain significance. Review status: criteria provided, multiple submitters, no conflicts (2 of 4 stars). 2 submissions from 2 submitters: Uncertain significance (2). Last evaluated 2022-04-08.

Conditions:
Inborn genetic diseases. Identifiers: MedGen C0950123, MeSH D030342.

Submissions (2):

Ambry Genetics
Classification: Uncertain significance for Inborn genetic diseases. Last evaluated: 2022-04-08. Review status: criteria provided, single submitter. Criteria: Ambry Variant Classification Scheme 2023. Collection method: clinical testing. Allele origin: germline.

Labcorp Genetics (formerly Invitae), Labcorp
Classification: Uncertain significance. Last evaluated: 2021-05-30. Review status: criteria provided, single submitter. Criteria: Invitae Variant Classification Sherloc (09022015). Collection method: clinical testing. Allele origin: germline.
Comment: In summary, the available evidence is currently insufficient to determine the role of this variant in disease. Therefore, it has been classified as a Variant of Uncertain Significance. Algorithms developed to predict the effect of sequence changes on RNA splicing suggest that this variant may disrupt the consensus splice site, but this prediction has not been confirmed by published transcriptional studies. Algorithms developed to predict the effect of missense changes on protein structure and function (SIFT, PolyPhen-2, Align-GVGD) all suggest that this variant is likely to be disruptive, but these predictions have not been confirmed by published functional studies and their clinical significance is uncertain. This variant has not been reported in the literature in individuals with COL13A1-related conditions. This variant is not present in population databases (ExAC no frequency). This sequence change replaces glycine with arginine at codon 616 of the COL13A1 protein (p.Gly616Arg). The glycine residue is highly conserved and there is a moderate physicochemical difference between glycine and arginine.